The following is an entry in ClinVar:

ClinVar aggregate classification (germline): Uncertain significance. Review status: criteria provided, multiple submitters, no conflicts (2 of 4 stars). 2 submissions from 2 submitters: Uncertain significance (2). Last evaluated 2025-09-02.

Conditions:
Hereditary cancer-predisposing syndrome. Also called: Hereditary Cancer Syndrome; Neoplastic Syndromes, Hereditary; Tumor predisposition; Hereditary neoplastic syndrome. Identifiers: Orphanet 140162, MedGen C0027672, MeSH D009386, MONDO:0015356.
Rhabdoid tumor predisposition syndrome 2 (RTPS2). Identifiers: Orphanet 231108, Orphanet 69077, MedGen C2750074, MONDO:0013224, OMIM 613325.

Submissions (2):

Labcorp Genetics (formerly Invitae), Labcorp
Classification: Uncertain significance for Rhabdoid tumor predisposition syndrome 2. Last evaluated: 2025-09-02. Review status: criteria provided, single submitter. Criteria: Invitae Variant Classification Sherloc (09022015). Collection method: clinical testing. Allele origin: germline.
Comment: This sequence change replaces alanine, which is neutral and non-polar, with threonine, which is neutral and polar, at codon 438 of the SMARCA4 protein (p.Ala438Thr). This variant is not present in population databases (gnomAD no frequency). This variant has not been reported in the literature in individuals affected with SMARCA4-related conditions. ClinVar contains an entry for this variant (Variation ID: 2793986). Invitae Evidence Modeling of protein sequence and biophysical properties (such as structural, functional, and spatial information, amino acid conservation, physicochemical variation, residue mobility, and thermodynamic stability) has been performed for this missense variant. However, the output from this modeling did not meet the statistical confidence thresholds required to predict the impact of this variant on SMARCA4 protein function. In summary, the available evidence is currently insufficient to determine the role of this variant in disease. Therefore, it has been classified as a Variant of Uncertain Significance.

Ambry Genetics
Classification: Uncertain significance for Hereditary cancer-predisposing syndrome. Last evaluated: 2024-05-07. Review status: criteria provided, single submitter. Criteria: Ambry Variant Classification Scheme 2023. Collection method: clinical testing. Allele origin: germline.
Comment: The p.A438T variant (also known as c.1312G>A), located in coding exon 7 of the SMARCA4 gene, results from a G to A substitution at nucleotide position 1312. The alanine at codon 438 is replaced by threonine, an amino acid with similar properties. This amino acid position is conserved. In addition, the in silico prediction for this alteration is inconclusive. Based on the available evidence, the clinical significance of this variant remains unclear.

NM_003072.5(SMARCA4):c.1312G>A (p.Ala438Thr)

Gene: SMARCA4 (SWI/SNF related BAF chromatin remodeling complex subunit ATPase 4; plus strand). Cytogenetic location: 19p13.2.
Variant type: single nucleotide variant.
Coding change: c.1312G>A on transcript NM_003072.5 (MANE Select); coding-DNA position 1312, G replaced by A.
Protein change: p.Ala438Thr; replaces alanine 438 with threonine.
Molecular consequence: missense variant. On other transcripts: non-coding transcript variant (1).
Genome position (GRCh38, 1-based): chr19:10,991,216, G>A. VCF-style: chr19-10991216-G-A. GRCh37 (hg19) VCF-style: chr19-11101892-G-A.
Other names: c.1312G>A (NM_001128849.1); c.1312G>A, p.Ala438Thr (NM_001128844.3, NM_001128845.2, NM_001128846.2 and 6 more transcripts); short protein forms A438T.
Identifiers: ClinVar variation 2793986 (VCV002793986.4), dbSNP rs2145879641, ClinGen allele CA404060713.